The following is an entry in ClinVar:

ClinVar aggregate classification (germline): Uncertain significance (1 of 4 stars; one submission).

Conditions:
Familial hypocalciuric hypercalcemia (FHH). Also called: Familial benign hypercalcemia. Identifiers: Orphanet 405, MedGen C1809471, MONDO:0018458.
Autosomal dominant hypocalcemia 1 (HYPOC1). Also called: HYPOCALCEMIA, FAMILIAL. Identifiers: MedGen C3715128, MONDO:0011013, OMIM 601198.

Submission:

Labcorp Genetics (formerly Invitae), Labcorp
Classification: Uncertain significance for Familial hypocalciuric hypercalcemia; Autosomal dominant hypocalcemia 1. Last evaluated: 2019-09-23. Review status: criteria provided, single submitter. Criteria: Invitae Variant Classification Sherloc (09022015). Collection method: clinical testing. Allele origin: germline.
Comment: In summary, the available evidence is currently insufficient to determine the role of this variant in disease. Therefore, it has been classified as a Variant of Uncertain Significance. Algorithms developed to predict the effect of missense changes on protein structure and function are either unavailable or do not agree on the potential impact of this missense change (SIFT: "Deleterious"; PolyPhen-2: "Benign"; Align-GVGD: "Class C0"). This variant has not been reported in the literature in individuals with CASR-related conditions. This variant is not present in population databases (ExAC no frequency). This sequence change replaces alanine with valine at codon 45 of the CASR protein (p.Ala45Val). The alanine residue is highly conserved and there is a small physicochemical difference between alanine and valine.

NM_000388.4(CASR):c.134C>T (p.Ala45Val)

Gene: CASR (calcium sensing receptor; plus strand). Cytogenetic location: 3q21.1.
Variant type: single nucleotide variant.
Coding change: c.134C>T on transcript NM_000388.4 (MANE Select); coding-DNA position 134, C replaced by T.
Protein change: p.Ala45Val; replaces alanine 45 with valine.
Molecular consequence: missense variant.
Genome position (GRCh38, 1-based): chr3:122,254,323, C>T. VCF-style: chr3-122254323-C-T. GRCh37 (hg19) VCF-style: chr3-121973170-C-T.
Other names: c.134C>T, p.Ala45Val (NM_001178065.2); short protein forms A45V.
Identifiers: ClinVar variation 950657 (VCV000950657.10), dbSNP rs779995504, ClinGen allele CA354362202.